The following is an entry in ClinVar:

NM_001371986.1(UNC80):c.3328C>T (p.Arg1110Ter)

Gene: UNC80 (unc-80 subunit of NALCN channel complex; plus strand). Cytogenetic location: 2q34.
Variant type: single nucleotide variant.
Coding change: c.3328C>T on transcript NM_001371986.1 (MANE Select); coding-DNA position 3328, C replaced by T.
Protein change: p.Arg1110Ter; replaces arginine 1110 with a stop codon.
Molecular consequence: nonsense.
Genome position (GRCh38, 1-based): chr2:209,840,619, C>T. VCF-style: chr2-209840619-C-T. GRCh37 (hg19) VCF-style: chr2-210705343-C-T.
Other names: c.3334C>T, p.Arg1112Ter (NM_032504.2); c.3319C>T, p.Arg1107Ter (NM_182587.4); short protein forms R1107*, R1112*, R1110*.
Identifiers: ClinVar variation 2788446 (VCV002788446.4), dbSNP rs777091779, ClinGen allele CA2083110.

ClinVar aggregate classification (germline): Pathogenic. Review status: criteria provided, multiple submitters, no conflicts (2 of 4 stars). 2 submissions from 2 submitters: Pathogenic (2). Last evaluated 2024-08-03.

Conditions:
Hypotonia, infantile, with psychomotor retardation and characteristic facies 2 (IHPRF2). Also called: UNC80 Deficiency. Identifiers: Orphanet 371364, Orphanet 700333, MedGen C4225203, MONDO:0014777, OMIM 616801.

Allele frequency attached by ClinVar (database versions not stated): gnomAD exomes below 0.00001; gnomAD 0.00001; ExAC 0.00004.
gnomAD v4.1: 7 of 1,551,834 alleles (0.00045%); highest among the groups gnomAD compares: African/African-American, 0.0014%; no homozygotes.

Submissions (2):

Labcorp Genetics (formerly Invitae), Labcorp
Classification: Pathogenic. Last evaluated: 2024-08-03. Review status: criteria provided, single submitter. Criteria: Invitae Variant Classification Sherloc (09022015). Collection method: clinical testing. Allele origin: germline.
Comment: This sequence change creates a premature translational stop signal (p.Arg1112*) in the UNC80 gene. It is expected to result in an absent or disrupted protein product. Loss-of-function variants in UNC80 are known to be pathogenic (PMID: 26545877, 26708751, 26708753). The frequency data for this variant in the population databases is considered unreliable, as metrics indicate poor data quality at this position in the gnomAD database. This variant has not been reported in the literature in individuals affected with UNC80-related conditions. Algorithms developed to predict the effect of sequence changes on RNA splicing suggest that this variant may disrupt the consensus splice site. For these reasons, this variant has been classified as Pathogenic.

3billion
Classification: Pathogenic for Hypotonia, infantile, with psychomotor retardation and characteristic facies 2. Last evaluated: 2023-10-23. Review status: criteria provided, single submitter. Criteria: ACMG Guidelines, 2015. Collection method: clinical testing. Allele origin: germline. Affected: yes.
Comment: The variant is observed at an extremely low frequency in the gnomAD v2.1.1 dataset (total allele frequency: 0.001%). Predicted Consequence/Location: Stop-gained (nonsense): predicted to result in a loss or disruption of normal protein function through nonsense-mediated decay (NMD) or protein truncation. Multiple pathogenic variants are reported downstream of the variant. Therefore, this variant is classified as Pathogenic according to the recommendation of ACMG/AMP guideline.

Literature cited by the submitters: PubMed 26545877 (cited by Labcorp Genetics (formerly Invitae), Labcorp); PubMed 26708751 (cited by Labcorp Genetics (formerly Invitae), Labcorp); PubMed 26708753 (cited by Labcorp Genetics (formerly Invitae), Labcorp).